The following is an entry in ClinVar:

NM_017875.4(SLC25A38):c.276+6C>G

Gene: SLC25A38 (solute carrier family 25 member 38; plus strand). Cytogenetic location: 3p22.1.
Variant type: single nucleotide variant.
Coding change: c.276+6C>G on transcript NM_017875.4 (MANE Select); 6 bases into the intron after coding-DNA position 276, C replaced by G.
Molecular consequence: intron variant.
Genome position (GRCh38, 1-based): chr3:39,390,513, C>G. VCF-style: chr3-39390513-C-G. GRCh37 (hg19) VCF-style: chr3-39432004-C-G.
Other names: c.276+6C>G (NM_001354798.2).
Identifiers: ClinVar variation 3723526 (VCV003723526.2).

ClinVar aggregate classification (germline): Uncertain significance (1 of 4 stars; one submission).

Submission:

Labcorp Genetics (formerly Invitae), Labcorp
Classification: Uncertain significance. Last evaluated: 2024-11-05. Review status: criteria provided, single submitter. Criteria: Invitae Variant Classification Sherloc (09022015). Collection method: clinical testing. Allele origin: germline.
Comment: This sequence change falls in intron 3 of the SLC25A38 gene. It does not directly change the encoded amino acid sequence of the SLC25A38 protein. It affects a nucleotide within the consensus splice site. This variant is not present in population databases (gnomAD no frequency). This variant has not been reported in the literature in individuals affected with SLC25A38-related conditions. Variants that disrupt the consensus splice site are a relatively common cause of aberrant splicing (PMID: 17576681, 9536098). Algorithms developed to predict the effect of sequence changes on RNA splicing suggest that this variant may disrupt the consensus splice site. In summary, the available evidence is currently insufficient to determine the role of this variant in disease. Therefore, it has been classified as a Variant of Uncertain Significance.

Literature cited by the submitters: PubMed 17576681; PubMed 9536098.